The following is an entry in ClinVar:

NM_004924.6(ACTN4):c.162+33G>A

Genes: ACTN4 (actinin alpha 4; plus strand), LOC130064361 (ATAC-STARR-seq lymphoblastoid silent region 10579; plus strand). Cytogenetic location: 19q13.2.
Variant type: single nucleotide variant.
Coding change: c.162+33G>A on transcript NM_004924.6 (MANE Select); 33 bases into the intron after coding-DNA position 162, G replaced by A.
Molecular consequence: intron variant.
Genome position (GRCh38, 1-based): chr19:38,647,940, G>A. VCF-style: chr19-38647940-G-A. GRCh37 (hg19) VCF-style: chr19-39138580-G-A.
Other names: c.162+33G>A (NM_001322033.2).
Identifiers: ClinVar variation 1706702 (VCV001706702.2), dbSNP rs199812484, ClinGen allele CA9417187.

ClinVar aggregate classification (germline): Likely benign (1 of 4 stars; one submission).

Allele frequency attached by ClinVar (database versions not stated): ExAC 0.01091; ESP Exome Variant Server 0.00181; 1000 Genomes Project 30x 0.00422; 1000 Genomes Project 0.00439; gnomAD 0.00470; gnomAD exomes 0.00670.
gnomAD v4.1: 9,347 of 1,452,122 alleles (0.64%); highest among the groups gnomAD compares: South Asian, 1.1%; 39 homozygotes.

Submission:

GeneDx
Classification: Likely benign. Last evaluated: 2018-07-05. Review status: criteria provided, single submitter. Criteria: GeneDx Variant Classification Process June 2021. Collection method: clinical testing. Allele origin: germline. Affected: yes.
Comment: See Variant Classification Assertion Criteria.